The following is an entry in ClinVar:

ClinVar aggregate classification (germline): Uncertain significance (1 of 4 stars; one submission).

Allele frequency attached by ClinVar (database versions not stated): ExAC 0.00001; gnomAD exomes 0.00001; TOPMed 0.00001.
gnomAD v4.1: 11 of 1,613,698 alleles (0.00068%); highest among the groups gnomAD compares: Non-Finnish European, 0.00085%; no homozygotes.

Submission:

Labcorp Genetics (formerly Invitae), Labcorp
Classification: Uncertain significance. Last evaluated: 2021-12-19. Review status: criteria provided, single submitter. Criteria: Invitae Variant Classification Sherloc (09022015). Collection method: clinical testing. Allele origin: germline.
Comment: This sequence change replaces glutamine, which is neutral and polar, with arginine, which is basic and polar, at codon 156 of the WDR1 protein (p.Gln156Arg). This variant is present in population databases (rs774637484, gnomAD 0.0009%). This variant has not been reported in the literature in individuals affected with WDR1-related conditions. Algorithms developed to predict the effect of missense changes on protein structure and function are either unavailable or do not agree on the potential impact of this missense change (SIFT: "Tolerated"; PolyPhen-2: "Possibly Damaging"; Align-GVGD: "Class C0"). In summary, the available evidence is currently insufficient to determine the role of this variant in disease. Therefore, it has been classified as a Variant of Uncertain Significance.

NM_017491.5(WDR1):c.467A>G (p.Gln156Arg)

Gene: WDR1 (WD repeat domain 1; minus strand). Cytogenetic location: 4p16.1.
Variant type: single nucleotide variant.
Coding change: c.467A>G on transcript NM_017491.5 (MANE Select); coding-DNA position 467, A replaced by G.
Protein change: p.Gln156Arg; replaces glutamine 156 with arginine.
Molecular consequence: missense variant. On other transcripts: intron variant (1).
Genome position (GRCh38, 1-based): chr4:10,097,802, T>C on the plus strand (A>G on the coding strand, the complement: WDR1 is on the minus strand). VCF-style: chr4-10097802-T-C. GRCh37 (hg19) VCF-style: chr4-10099426-T-C.
Other names: c.139-9061A>G (NM_005112.5); short protein forms Q156R.
Identifiers: ClinVar variation 2162140 (VCV002162140.1), dbSNP rs774637484, ClinGen allele CA2858051.